The following is an entry in ClinVar:

ClinVar aggregate classification (germline): Uncertain significance (1 of 4 stars; one submission).

Allele frequency attached by ClinVar (database versions not stated): ExAC 0.00001; gnomAD 0.00001; gnomAD exomes 0.00001.
gnomAD v4.1: 12 of 1,612,926 alleles (0.00074%); highest among the groups gnomAD compares: South Asian, 0.0066%; no homozygotes.

Submission:

Labcorp Genetics (formerly Invitae), Labcorp
Classification: Uncertain significance. Last evaluated: 2024-01-08. Review status: criteria provided, single submitter. Criteria: Invitae Variant Classification Sherloc (09022015). Collection method: clinical testing. Allele origin: germline.
Comment: This sequence change replaces aspartic acid, which is acidic and polar, with glycine, which is neutral and non-polar, at codon 416 of the ABCC6 protein (p.Asp416Gly). This variant is present in population databases (rs761923987, gnomAD 0.007%). This variant has not been reported in the literature in individuals affected with ABCC6-related conditions. ClinVar contains an entry for this variant (Variation ID: 1380949). Advanced modeling of protein sequence and biophysical properties (such as structural, functional, and spatial information, amino acid conservation, physicochemical variation, residue mobility, and thermodynamic stability) performed at Invitae indicates that this missense variant is expected to disrupt ABCC6 protein function with a positive predictive value of 95%. In summary, the available evidence is currently insufficient to determine the role of this variant in disease. Therefore, it has been classified as a Variant of Uncertain Significance.

NM_001171.6(ABCC6):c.1247A>G (p.Asp416Gly)

Gene: ABCC6 (ATP binding cassette subfamily C member 6; minus strand). Cytogenetic location: 16p13.11.
Variant type: single nucleotide variant.
Coding change: c.1247A>G on transcript NM_001171.6 (MANE Select); coding-DNA position 1247, A replaced by G.
Protein change: p.Asp416Gly; replaces aspartic acid 416 with glycine.
Molecular consequence: missense variant. On other transcripts: non-coding transcript variant (1).
Genome position (GRCh38, 1-based): chr16:16,198,112, T>C on the plus strand (A>G on the coding strand, the complement: ABCC6 is on the minus strand). VCF-style: chr16-16198112-T-C. GRCh37 (hg19) VCF-style: chr16-16291969-T-C.
Other names: c.905A>G, p.Asp302Gly (NM_001351800.1); short protein forms D416G, D302G.
Identifiers: ClinVar variation 1380949 (VCV001380949.5), dbSNP rs761923987, ClinGen allele CA7926395.
Genomic context (GRCh38, chr16:16,198,112, plus strand): 5'-CAGACGAGAGGCAGCCACAGCCCGTTGAGGTAGAGGACGCTCTCGGTCAGCCGCTGCACG[T>C]CCACGGACACCAGATTGACCACATCACCCACCGCACTGGCCTTTCTGGAGCCGCTGGACA-3'
Protein context (NP_001162.5, residues 406-426): VGDVVNLVSV[Asp416Gly]VQRLTESVLY